The following is an entry in ClinVar:

NM_000070.3(CAPN3):c.679G>C (p.Ala227Pro)

Gene: CAPN3 (calpain 3; plus strand). Cytogenetic location: 15q15.1.
Variant type: single nucleotide variant.
Coding change: c.679G>C on transcript NM_000070.3 (MANE Select); coding-DNA position 679, G replaced by C.
Protein change: p.Ala227Pro; replaces alanine 227 with proline.
Molecular consequence: missense variant.
Genome position (GRCh38, 1-based): chr15:42,388,974, G>C. VCF-style: chr15-42388974-G-C. GRCh37 (hg19) VCF-style: chr15-42681172-G-C.
Other names: c.679G>C, p.Ala227Pro (NM_024344.2, NM_173087.2); short protein forms A227P.
Identifiers: ClinVar variation 978228 (VCV000978228.1), dbSNP rs1595822648, ClinGen allele CA391998140.
Genomic context (GRCh38, chr15:42,388,974, plus strand): 5'-ATCCTCTCTCTAAGGCTCCATGGTTCCTACGAAGCTCTGAAAGGTGGGAACACCACAGAG[G>C]CCATGGAGGACTTCACAGGAGGGGTGGCAGAGTTTTTTGAGATCAGGGATGCTCCTAGTG-3'
Protein context (NP_000061.1, residues 217-237): EALKGGNTTE[Ala227Pro]MEDFTGGVAE

ClinVar aggregate classification (germline): Uncertain significance (1 of 4 stars; one submission).

Conditions:
Autosomal recessive limb-girdle muscular dystrophy type 2A (LGMDR1). Also called: Muscular dystrophy, limb-girdle, type 2A, Amish; Limb-girdle muscular dystrophy, type 2A; Calpainopathy; LEYDEN-MOEBIUS MUSCULAR DYSTROPHY; MUSCULAR DYSTROPHY, PELVOFEMORAL. Identifiers: Orphanet 267, MedGen C1869123, MONDO:0009675, OMIM 253600. Disease mechanism: loss of function.

Submission:

Laboratory of Inherited Metabolic Diseases, Research centre for medical genetics
Classification: Uncertain significance for Autosomal recessive limb-girdle muscular dystrophy type 2A. Last evaluated: 2020-02-11. Review status: criteria provided, single submitter. Criteria: ACMG Guidelines, 2015. Collection method: clinical testing. Allele origin: germline. Inheritance: Autosomal recessive inheritance. Affected: yes. Observed: 1 variant allele.
Comment: found in compound with c.1079G>A